The following is an entry in ClinVar:

ClinVar aggregate classification (germline): Uncertain significance (1 of 4 stars; one submission).

gnomAD v4.1: 103 of 1,611,988 alleles (0.0064%); highest among the groups gnomAD compares: Middle Eastern, 0.15%; no homozygotes.

Submission:

Labcorp Genetics (formerly Invitae), Labcorp
Classification: Uncertain significance. Last evaluated: 2024-06-17. Review status: criteria provided, single submitter. Criteria: Invitae Variant Classification Sherloc (09022015). Collection method: clinical testing. Allele origin: germline.
Comment: This sequence change replaces aspartic acid, which is acidic and polar, with asparagine, which is neutral and polar, at codon 1107 of the FOCAD protein (p.Asp1107Asn). This variant is present in population databases (rs374327997, gnomAD 0.009%). This variant has not been reported in the literature in individuals affected with FOCAD-related conditions. Experimental studies and prediction algorithms are not available or were not evaluated, and the functional significance of this variant is currently unknown. In summary, the available evidence is currently insufficient to determine the role of this variant in disease. Therefore, it has been classified as a Variant of Uncertain Significance.

NM_001375567.1(FOCAD):c.3319G>A (p.Asp1107Asn)

Gene: FOCAD (focadhesin; plus strand). Cytogenetic location: 9p21.3.
Variant type: single nucleotide variant.
Coding change: c.3319G>A on transcript NM_001375567.1 (MANE Select); coding-DNA position 3319, G replaced by A.
Protein change: p.Asp1107Asn; replaces aspartic acid 1107 with asparagine.
Molecular consequence: missense variant.
Genome position (GRCh38, 1-based): chr9:20,933,015, G>A. VCF-style: chr9-20933015-G-A. GRCh37 (hg19) VCF-style: chr9-20933014-G-A.
Other names: c.3214G>A, p.Asp1072Asn (NM_001375568.1, NM_001375570.1); c.3319G>A, p.Asp1107Asn (NM_017794.5); short protein forms D1072N, D1107N.
Identifiers: ClinVar variation 3715192 (VCV003715192.2).